The following is an entry in ClinVar:

NC_000016.9:g.(?_14530574)_(14576704_?)dup

Gene: PARN (poly(A)-specific ribonuclease; minus strand). Cytogenetic location: 16p13.12.
Variant type: Duplication.
Identifiers: ClinVar variation 2424495 (VCV002424495.8).

ClinVar aggregate classification (germline): Uncertain significance (1 of 4 stars; one submission).

Conditions:
Dyskeratosis congenita, autosomal recessive 6 (DKCB6). Identifiers: MedGen C4225356, MONDO:0014600, OMIM 616353.
Pulmonary fibrosis and/or bone marrow failure, Telomere-related, 4. Also called: PULMONARY FIBROSIS AND/OR BONE MARROW FAILURE SYNDROME, TELOMERE-RELATED, 4. Identifiers: Orphanet 2032, MedGen C4225347, MONDO:0014612, OMIM 616371.

Submission:

Labcorp Genetics (formerly Invitae), Labcorp
Classification: Uncertain significance for Dyskeratosis congenita, autosomal recessive 6; Pulmonary fibrosis and/or bone marrow failure, Telomere-related, 4. Last evaluated: 2022-08-07. Review status: criteria provided, single submitter. Criteria: Invitae Variant Classification Sherloc (09022015). Collection method: clinical testing. Allele origin: germline.
Comment: In summary, the available evidence is currently insufficient to determine the role of this variant in disease. Therefore, it has been classified as a Variant of Uncertain Significance. Experimental studies and prediction algorithms are not available or were not evaluated, and the functional significance of this variant is currently unknown. This variant has not been reported in the literature in individuals affected with PARN-related conditions. This variant results in a copy number gain of the genomic region encompassing exon(s) 22-24 of the PARN gene. This region includes the termination codon of the gene. This copy number gain extends beyond the assayed region for this gene and therefore may encompass additional genes. As the precise location of this event is unknown, it may be in tandem or it may be located elsewhere in the genome.